The following is an entry in ClinVar:

ClinVar aggregate classification (germline): Uncertain significance (1 of 4 stars; one submission).

Conditions:
Autoimmune lymphoproliferative syndrome type 1. Also called: AUTOIMMUNE LYMPHOPROLIFERATIVE SYNDROME, TYPE I, AUTOSOMAL DOMINANT. Identifiers: Orphanet 3261, MedGen C2717884, MONDO:0011158, OMIM 601859.

Submission:

Labcorp Genetics (formerly Invitae), Labcorp
Classification: Uncertain significance for Autoimmune lymphoproliferative syndrome. Last evaluated: 2024-02-12. Review status: criteria provided, single submitter. Criteria: Invitae Variant Classification Sherloc (09022015). Collection method: clinical testing. Allele origin: germline.
Comment: This sequence change replaces lysine, which is basic and polar, with glutamic acid, which is acidic and polar, at codon 258 of the FAS protein (p.Lys258Glu). This variant is not present in population databases (gnomAD no frequency). This missense change has been observed in individual(s) with clinical features of autoimmune lymphoproliferative syndrome (Invitae). ClinVar contains an entry for this variant (Variation ID: 1715761). Advanced modeling of protein sequence and biophysical properties (such as structural, functional, and spatial information, amino acid conservation, physicochemical variation, residue mobility, and thermodynamic stability) has been performed at Invitae for this missense variant, however the output from this modeling did not meet the statistical confidence thresholds required to predict the impact of this variant on FAS protein function. In summary, the available evidence is currently insufficient to determine the role of this variant in disease. Therefore, it has been classified as a Variant of Uncertain Significance.

NM_000043.6(FAS):c.772A>G (p.Lys258Glu)

Gene: FAS (Fas cell surface death receptor; plus strand). Cytogenetic location: 10q23.31.
Variant type: single nucleotide variant.
Coding change: c.772A>G on transcript NM_000043.6 (MANE Select); coding-DNA position 772, A replaced by G.
Protein change: p.Lys258Glu; replaces lysine 258 with glutamic acid.
Molecular consequence: missense variant. On other transcripts: 3 prime UTR variant (2), non-coding transcript variant (7).
Genome position (GRCh38, 1-based): chr10:89,014,214, A>G. VCF-style: chr10-89014214-A-G. GRCh37 (hg19) VCF-style: chr10-90773971-A-G.
Other names: c.*95A>G (NM_001320619.2); c.817A>G, p.Lys273Glu (NM_001410956.1); c.709A>G, p.Lys237Glu (NM_152871.4); c.*84A>G (NM_152872.4); short protein forms K237E, K258E, K273E.
Identifiers: ClinVar variation 1715761 (VCV001715761.5), dbSNP rs2495225044, ClinGen allele CA377509774.
Genomic context (GRCh38, chr10:89,014,214, plus strand): 5'-GGAGTCATGACACTAAGTCAAGTTAAAGGCTTTGTTCGAAAGAATGGTGTCAATGAAGCC[A>G]AAATAGATGAGATCAAGAATGACAATGTCCAAGACACAGCAGAACAGAAAGTTCAACTGC-3'
Protein context (NP_000034.1, residues 248-268): FVRKNGVNEA[Lys258Glu]IDEIKNDNVQ